The following is an entry in ClinVar:

ClinVar aggregate classification (germline): Conflicting classifications of pathogenicity. Review status: criteria provided, conflicting classifications (1 of 4 stars). 2 submissions from 2 submitters: Uncertain significance (1); Likely benign (1). Last evaluated 2025-05-07.

Submissions (2):

Labcorp Genetics (formerly Invitae), Labcorp
Classification: Likely benign. Last evaluated: 2025-05-07. Review status: criteria provided, single submitter. Criteria: Invitae Variant Classification Sherloc (09022015). Collection method: clinical testing. Allele origin: germline.

GeneDx
Classification: Uncertain significance. Last evaluated: 2024-07-22. Review status: criteria provided, single submitter. Criteria: GeneDx Variant Classification Process June 2021. Collection method: clinical testing. Allele origin: germline. Affected: yes.
Comment: The c.548_549delCT and p.(A519T) variants have been reported in cis, in four individuals of Ashkenazi descent from a clinical population modestly enriched for cardiovascular disease risk; two of these individuals also harbored the p.(P446L) risk allele in trans, and one individual also harbored an additional missense variant in trans (PMID: 22182842); The c.548_549delCT/p.(A519T) complex allele showed loss of protein expression and reduced nuclear localization when transfected into HeLa cells, and appeared enriched in individuals with impaired glycemia (PMID: 22182842); Frameshift variant predicted to result in protein truncation or nonsense mediated decay in a gene or region of a gene for which loss of function is not a well-established mechanism of disease; This variant is associated with the following publications: (PMID: 22182842, 36325899, 35460704)

NM_001486.4(GCKR):c.548_549del (p.Ser183fs)

Gene: GCKR (glucokinase regulator; plus strand). Cytogenetic location: 2p23.3.
Variant type: Microsatellite.
Coding change: c.548_549del on transcript NM_001486.4 (MANE Select); coding-DNA positions 548 to 549, 2 bases deleted (CT; older notation c.548_549delCT).
Protein change: p.Ser183fs; shifts the reading frame from serine 183.
Molecular consequence: frameshift variant.
Genome position (GRCh38, 1-based): chr2:27,499,449-27,499,450, CT deleted; deleting any 2 consecutive bases within chr2:27,499,445-27,499,450 gives the same sequence; the c. name uses the placement nearest the transcript's 3' end. VCF-style (leftmost placement, unchanged base first): chr2-27499444-ACT-A. GRCh37 (hg19) VCF-style: chr2-27722311-ACT-A.
Other names: c.548_549del (NM_001486.3); short protein forms S183fs.
Identifiers: ClinVar variation 2068624 (VCV002068624.6), dbSNP rs768048286, ClinGen allele CA1581602.